The following is an entry in ClinVar:

NM_145290.4(ADGRA3):c.2276T>G (p.Leu759Arg)

Gene: ADGRA3 (adhesion G protein-coupled receptor A3; minus strand). Cytogenetic location: 4p15.2.
Variant type: single nucleotide variant.
Coding change: c.2276T>G on transcript NM_145290.4 (MANE Select); coding-DNA position 2276, T replaced by G.
Protein change: p.Leu759Arg; replaces leucine 759 with arginine.
Molecular consequence: missense variant.
Genome position (GRCh38, 1-based): chr4:22,402,756, A>C on the plus strand (T>G on the coding strand, the complement: ADGRA3 is on the minus strand). VCF-style: chr4-22402756-A-C. GRCh37 (hg19) VCF-style: chr4-22404379-A-C.
Other names: c.2276T>G (NM_145290.2); short protein forms L759R.
Identifiers: ClinVar variation 1895922 (VCV001895922.6), dbSNP rs757212411, ClinGen allele CA2873682.
Genomic context (GRCh38, chr4:22,402,756, plus strand): 5'-ACAATGACGGCTAAGAGACATAAGAGGAGAATGATAGCGGTAGTATAAACCACAGGATGC[A>C]GGAGGCTGGCCGCCTGGGTGTATAGTTCAGATCCCGTCAAATCCTGAGGGCAAAAAGAAA-3'
Protein context (NP_660333.2, residues 749-769): SELYTQAASL[Leu759Arg]HPVVYTTAII

ClinVar aggregate classification (germline): Uncertain significance. Review status: criteria provided, multiple submitters, no conflicts (2 of 4 stars). 2 submissions from 2 submitters: Uncertain significance (2). Last evaluated 2025-04-16.

Allele frequency attached by ClinVar (database versions not stated): ExAC 0.00002; gnomAD 0.00002; TOPMed 0.00002; gnomAD exomes 0.00003.
gnomAD v4.1: 46 of 1,613,794 alleles (0.0029%); highest among the groups gnomAD compares: Non-Finnish European, 0.0038%; no homozygotes.

Submissions (2):

Labcorp Genetics (formerly Invitae), Labcorp
Classification: Uncertain significance. Last evaluated: 2025-04-16. Review status: criteria provided, single submitter. Criteria: Invitae Variant Classification Sherloc (09022015). Collection method: clinical testing. Allele origin: germline.
Comment: This sequence change replaces leucine, which is neutral and non-polar, with arginine, which is basic and polar, at codon 759 of the ADGRA3 protein (p.Leu759Arg). This variant is present in population databases (rs757212411, gnomAD 0.008%). This variant has not been reported in the literature in individuals affected with ADGRA3-related conditions. ClinVar contains an entry for this variant (Variation ID: 1895922). An algorithm developed to predict the effect of missense changes on protein structure and function (PolyPhen-2) suggests that this variant is likely to be disruptive. In summary, the available evidence is currently insufficient to determine the role of this variant in disease. Therefore, it has been classified as a Variant of Uncertain Significance.

Ambry Genetics
Classification: Uncertain significance. Last evaluated: 2024-06-30. Review status: criteria provided, single submitter. Criteria: Ambry Variant Classification Scheme 2023. Collection method: clinical testing. Allele origin: germline.